The following is an entry in ClinVar:

NM_000448.3(RAG1):c.800C>G (p.Ala267Gly)

Gene: RAG1 (recombination activating 1; plus strand). Cytogenetic location: 11p12.
Variant type: single nucleotide variant.
Coding change: c.800C>G on transcript NM_000448.3 (MANE Select); coding-DNA position 800, C replaced by G.
Protein change: p.Ala267Gly; replaces alanine 267 with glycine.
Molecular consequence: missense variant.
Genome position (GRCh38, 1-based): chr11:36,574,104, C>G. VCF-style: chr11-36574104-C-G. GRCh37 (hg19) VCF-style: chr11-36595654-C-G.
Other names: c.800C>G, p.Ala267Gly (NM_001377277.1, NM_001377278.1, NM_001377279.1 and 1 more transcripts); short protein forms A267G.
Identifiers: ClinVar variation 837365 (VCV000837365.7), dbSNP rs1002699516, ClinGen allele CA220600533.

ClinVar aggregate classification (germline): Uncertain significance (1 of 4 stars; one submission).

Conditions:
Combined immunodeficiency with skin granulomas. Identifiers: Orphanet 157949, MedGen C2673536, MONDO:0009306, OMIM 233650.
Severe combined immunodeficiency, autosomal recessive, T cell-negative, B cell-negative, NK cell-positive. Also called: SCID, T CELL-NEGATIVE, B CELL-NEGATIVE, NK CELL-POSITIVE; SCID, AR, T-cell negative, B-cell negative, NK cell-positive; Severe combined immunodeficiency due to complete RAG1/2 deficiency. Identifiers: Orphanet 331206, MedGen C1832322, MONDO:0011086, OMIM 601457.

gnomAD v4.1: 1 of 1,614,204 alleles (0.000062%); highest among the groups gnomAD compares: Non-Finnish European, 0.000085%; no homozygotes.

Submission:

Labcorp Genetics (formerly Invitae), Labcorp
Classification: Uncertain significance for Combined immunodeficiency with skin granulomas; Severe combined immunodeficiency, autosomal recessive, T cell-negative, B cell-negative, NK cell-positive. Last evaluated: 2021-09-01. Review status: criteria provided, single submitter. Criteria: Invitae Variant Classification Sherloc (09022015). Collection method: clinical testing. Allele origin: germline.
Comment: This sequence change replaces alanine with glycine at codon 267 of the RAG1 protein (p.Ala267Gly). The alanine residue is weakly conserved and there is a small physicochemical difference between alanine and glycine. This variant is not present in population databases (ExAC no frequency). This variant has not been reported in the literature in individuals affected with RAG1-related conditions. Algorithms developed to predict the effect of missense changes on protein structure and function (SIFT, PolyPhen-2, Align-GVGD) all suggest that this variant is likely to be tolerated. In summary, the available evidence is currently insufficient to determine the role of this variant in disease. Therefore, it has been classified as a Variant of Uncertain Significance.